The following is an entry in ClinVar:

NM_001015877.2(PHF6):c.240+10T>C

Gene: PHF6 (PHD finger protein 6; plus strand). Cytogenetic location: Xq26.2.
Variant type: single nucleotide variant.
Coding change: c.240+10T>C on transcript NM_001015877.2 (MANE Select); 10 bases into the intron after coding-DNA position 240, T replaced by C.
Molecular consequence: intron variant.
Genome position (GRCh38, 1-based): chrX:134,378,116, T>C. VCF-style: chrX-134378116-T-C. GRCh37 (hg19) VCF-style: chrX-133512146-T-C.
Other names: c.240+10T>C (NM_032458.3, NM_032335.3).
Identifiers: ClinVar variation 932063 (VCV000932063.3), dbSNP rs750243844, ClinGen allele CA10521168.

ClinVar aggregate classification (germline): Benign (1 of 4 stars; one submission).

Conditions:
Borjeson-Forssman-Lehmann syndrome (BFLS). Also called: BORJESON SYNDROME; MENTAL RETARDATION, X-LINKED, SYNDROMIC, BORJESON-FORSSMAN-LEHMANN TYPE; MENTAL RETARDATION, EPILEPSY, AND ENDOCRINE DISORDERS. Identifiers: Orphanet 127, MedGen C0265339, MONDO:0010537, OMIM 301900.

Allele frequency attached by ClinVar (database versions not stated): gnomAD exomes below 0.00001 and 0.00001; ExAC 0.00001; gnomAD 0.00001.
gnomAD v4.1: 2 of 1,096,174 alleles (0.00018%); highest among the groups gnomAD compares: Non-Finnish European, 0.00025%; no homozygotes.

Submission:

Centre for Mendelian Genomics, University Medical Centre Ljubljana
Classification: Benign for Borjeson-Forssman-Lehmann syndrome. Last evaluated: 2019-03-21. Review status: criteria provided, single submitter. Criteria: ACMG Guidelines, 2015. Collection method: clinical testing. Allele origin: unknown. Affected: yes.
Comment: This variant was classified as: Benign. The following ACMG criteria were applied in classifying this variant: BS1,BS2. This variant was detected in hemizygous state.